The following is an entry in ClinVar:

NM_000065.5(C6):c.1555G>A (p.Asp519Asn)

Gene: C6 (complement C6; minus strand). Cytogenetic location: 5p13.1.
Variant type: single nucleotide variant.
Coding change: c.1555G>A on transcript NM_000065.5 (MANE Select); coding-DNA position 1555, G replaced by A.
Protein change: p.Asp519Asn; replaces aspartic acid 519 with asparagine.
Molecular consequence: missense variant.
Genome position (GRCh38, 1-based): chr5:41,160,271, C>T on the plus strand (G>A on the coding strand, the complement: C6 is on the minus strand). VCF-style: chr5-41160271-C-T. GRCh37 (hg19) VCF-style: chr5-41160373-C-T.
Other names: c.1555G>A, p.Asp519Asn (NM_001115131.4); short protein forms D519N.
Identifiers: ClinVar variation 786055 (VCV000786055.11), dbSNP rs77363096, ClinGen allele CA3252420.

ClinVar aggregate classification (germline): Benign/Likely benign. Review status: criteria provided, multiple submitters, no conflicts (2 of 4 stars). 3 submissions from 3 submitters: Benign (2); Likely benign (1). Last evaluated 2026-01-28.

Allele frequency attached by ClinVar (database versions not stated): gnomAD 0.00694; TOPMed 0.00734; ESP Exome Variant Server 0.00761; 1000 Genomes Project 0.00819; 1000 Genomes Project 30x 0.00890.
gnomAD v4.1: 1,960 of 1,613,846 alleles (0.12%); highest among the groups gnomAD compares: African/African-American, 2.2%; 26 homozygotes.

Submissions (3):

Women's Health and Genetics/Laboratory Corporation of America, LabCorp
Classification: Likely benign. Last evaluated: 2026-01-28. Review status: criteria provided, single submitter. Criteria: LabCorp Variant Classification Summary - May 2015. Collection method: clinical testing. Allele origin: germline.
Comment: Variant summary: C6 c.1555G>A (p.Asp519Asn) results in a conservative amino acid change in the encoded protein sequence. Algorithms developed to predict the effect of missense changes on protein structure and function are either unavailable or do not agree on the potential impact of this missense change. The variant allele was found at a frequency of 0.0019 in 251080 control chromosomes, predominantly at a frequency of 0.025 within the African or African-American subpopulation in the gnomAD database, including 9 homozygotes. The observed variant frequency within African or African-American control individuals in the gnomAD database exceeds the estimated maximal expected allele frequency for disease-causing variants in C6. To our knowledge, no occurrence of c.1555G>A in individuals affected with C6-related conditions and no experimental evidence demonstrating its impact on protein function have been reported. ClinVar contains an entry for this variant (Variation ID: 786055). Based on the evidence outlined above, the variant was classified as likely benign.

Labcorp Genetics (formerly Invitae), Labcorp
Classification: Benign. Last evaluated: 2026-01-24. Review status: criteria provided, single submitter. Criteria: Invitae Variant Classification Sherloc (09022015). Collection method: clinical testing. Allele origin: germline.

Breakthrough Genomics
Classification: Benign. Review status: criteria provided, single submitter. Criteria: ACMG Guidelines, 2015. Collection method: not provided. Allele origin: germline. Inheritance: Autosomal recessive inheritance. Affected: yes.